The following is an entry in ClinVar:

ClinVar aggregate classification (germline): Uncertain significance (1 of 4 stars; one submission).

Conditions:
Inborn genetic diseases. Identifiers: MedGen C0950123, MeSH D030342.

gnomAD v4.1: 2 of 1,611,922 alleles (0.00012%); highest among the groups gnomAD compares: Admixed American, 0.0033%; no homozygotes.

Submission:

Ambry Genetics
Classification: Uncertain significance for Inborn genetic diseases. Last evaluated: 2024-04-12. Review status: criteria provided, single submitter. Criteria: Ambry Variant Classification Scheme 2023. Collection method: clinical testing. Allele origin: germline.
Comment: The p.T1766K variant (also known as c.5297C>A), located in coding exon 36 of the LRRK2 gene, results from a C to A substitution at nucleotide position 5297. The threonine at codon 1766 is replaced by lysine, an amino acid with similar properties. This amino acid position is conserved. In addition, this alteration is predicted to be deleterious by in silico analysis. Based on the available evidence, the clinical significance of this variant remains unclear.

NM_198578.4(LRRK2):c.5297C>A (p.Thr1766Lys)

Gene: LRRK2 (leucine rich repeat kinase 2; plus strand). Cytogenetic location: 12q12.
Variant type: single nucleotide variant.
Coding change: c.5297C>A on transcript NM_198578.4 (MANE Select); coding-DNA position 5297, C replaced by A.
Protein change: p.Thr1766Lys; replaces threonine 1766 with lysine.
Molecular consequence: missense variant.
Genome position (GRCh38, 1-based): chr12:40,322,161, C>A. VCF-style: chr12-40322161-C-A. GRCh37 (hg19) VCF-style: chr12-40715963-C-A.
Other names: short protein forms T1766K.
Identifiers: ClinVar variation 3291956 (VCV003291956.1).